The following is an entry in ClinVar:

ClinVar aggregate classification (germline): Likely benign (1 of 4 stars; one submission).

Submission:

GeneDx
Classification: Likely benign. Last evaluated: 2018-06-07. Review status: criteria provided, single submitter. Criteria: GeneDx Variant Classification (06012015). Collection method: clinical testing. Allele origin: germline. Affected: yes.
Comment: This variant is considered likely benign or benign based on one or more of the following criteria: it is a conservative change, it occurs at a poorly conserved position in the protein, it is predicted to be benign by multiple in silico algorithms, and/or has population frequency not consistent with disease.

NM_001854.4(COL11A1):c.4140+10A>G

Gene: COL11A1 (collagen type XI alpha 1 chain; minus strand). Cytogenetic location: 1p21.1.
Variant type: single nucleotide variant.
Coding change: c.4140+10A>G on transcript NM_001854.4 (MANE Select); 10 bases into the intron after coding-DNA position 4140, A replaced by G.
Molecular consequence: intron variant.
Genome position (GRCh38, 1-based): chr1:102,898,931, T>C on the plus strand (A>G on the coding strand, the complement: COL11A1 is on the minus strand). VCF-style: chr1-102898931-T-C. GRCh37 (hg19) VCF-style: chr1-103364487-T-C.
Other names: c.4023+10A>G (NM_001190709.2); c.4176+10A>G (NM_080629.3); c.3792+10A>G (NM_080630.4).
Identifiers: ClinVar variation 669238 (VCV000669238.1), dbSNP rs187171126, ClinGen allele CA915941370.